The following is an entry in ClinVar:

NM_020937.4(FANCM):c.1261G>A (p.Ala421Thr)

Gene: FANCM (FA complementation group M; plus strand). Cytogenetic location: 14q21.2.
Variant type: single nucleotide variant.
Coding change: c.1261G>A on transcript NM_020937.4 (MANE Select); coding-DNA position 1261, G replaced by A.
Protein change: p.Ala421Thr; replaces alanine 421 with threonine.
Molecular consequence: missense variant.
Genome position (GRCh38, 1-based): chr14:45,154,774, G>A. VCF-style: chr14-45154774-G-A. GRCh37 (hg19) VCF-style: chr14-45623977-G-A.
Other names: c.1183G>A, p.Ala395Thr (NM_001308133.2); c.1261G>A, p.Ala421Thr (NM_001308134.2); short protein forms A395T, A421T.
Identifiers: ClinVar variation 2431536 (VCV002431536.2), dbSNP rs2503106710, ClinGen allele CA389591284.

ClinVar aggregate classification (germline): Uncertain significance. Review status: criteria provided, multiple submitters, no conflicts (2 of 4 stars). 2 submissions from 2 submitters: Uncertain significance (2). Last evaluated 2025-03-15.

Conditions:
Inborn genetic diseases. Identifiers: MedGen C0950123, MeSH D030342.
Premature ovarian failure 15. Identifiers: MedGen C4748170, MONDO:0054862, OMIM 618096.

Submissions (2):

Ambry Genetics
Classification: Uncertain significance for Inborn genetic diseases. Last evaluated: 2025-03-15. Review status: criteria provided, single submitter. Criteria: Ambry Variant Classification Scheme 2023. Collection method: clinical testing. Allele origin: germline.
Comment: The p.A421T variant (also known as c.1261G>A), located in coding exon 7 of the FANCM gene, results from a G to A substitution at nucleotide position 1261. The alanine at codon 421 is replaced by threonine, an amino acid with similar properties. This amino acid position is conserved. In addition, this alteration is predicted to be tolerated by in silico analysis. Based on the available evidence, the clinical significance of this variant remains unclear.

Laboratorio de Genetica e Diagnostico Molecular, Hospital Israelita Albert Einstein
Classification: Uncertain significance for Premature ovarian failure 15. Last evaluated: 2022-06-09. Review status: criteria provided, single submitter. Criteria: ACMG Guidelines, 2015. Collection method: clinical testing. Allele origin: germline. Affected: yes. Observed: 1 variant allele.
Comment: ACMG classification criteria: PM2 moderated, BP4 supporting